The following is an entry in ClinVar:

ClinVar aggregate classification (germline): Likely benign (1 of 4 stars; one submission).

gnomAD v4.1: 9 of 1,596,626 alleles (0.00056%); highest among the groups gnomAD compares: Admixed American, 0.0034%; no homozygotes.

Submission:

CeGaT Center for Human Genetics Tuebingen
Classification: Likely benign. Last evaluated: 2025-09-01. Review status: criteria provided, single submitter. Criteria: CeGaT Center For Human Genetics Tuebingen Variant Classification Criteria Version 2. Collection method: clinical testing. Allele origin: germline. Affected: yes. Observed: 1 variant allele.
Comment: ATP6V0A1: BP4, BP7

NM_001130021.3(ATP6V0A1):c.273C>T (p.Pro91=)

Gene: ATP6V0A1 (ATPase H+ transporting V0 subunit a1; plus strand). Cytogenetic location: 17q21.2.
Variant type: single nucleotide variant.
Coding change: c.273C>T on transcript NM_001130021.3 (MANE Select); coding-DNA position 273, C replaced by T.
Protein change: p.Pro91=; no amino-acid change (proline 91 retained).
Molecular consequence: synonymous variant.
Genome position (GRCh38, 1-based): chr17:42,468,086, C>T. VCF-style: chr17-42468086-C-T. GRCh37 (hg19) VCF-style: chr17-40620104-C-T.
Other names: c.273C>T, p.Pro91= (NM_001378552.1, NM_001378554.1, NM_001378556.1 and 25 more transcripts); c.93C>T, p.Pro31= (NM_001378543.1, NM_001378549.1).
Identifiers: ClinVar variation 4280851 (VCV004280851.7).